The following is an entry in ClinVar:

ClinVar aggregate classification (germline): Conflicting classifications of pathogenicity. Review status: criteria provided, conflicting classifications (1 of 4 stars). 5 submissions from 5 submitters: Uncertain significance (1); Likely benign (4). Last evaluated 2026-06-15.

Conditions:
Marfan syndrome (MFS). Also called: FBN1-Related Marfan Syndrome; Marfan syndrome type 1; Marfan's syndrome; MARFAN SYNDROME, TYPE I; Marfan syndrome, classic. Identifiers: Orphanet 284963, Orphanet 558, MedGen C0024796, MONDO:0007947, OMIM 154700.
Familial thoracic aortic aneurysm and aortic dissection (TAAD). Also called: Thoracic aortic aneurysms and dissections. Identifiers: Orphanet 91387, MedGen C4707243, MONDO:0019625.

gnomAD v4.1: 1 of 1,614,010 alleles (0.000062%); highest among the groups gnomAD compares: South Asian, 0.0011%; no homozygotes.

Submissions (5):

Ambry Genetics
Classification: Likely benign for Familial thoracic aortic aneurysm and aortic dissection. Last evaluated: 2026-06-15. Review status: criteria provided, single submitter. Criteria: Ambry Variant Classification Scheme 2023. Collection method: clinical testing. Allele origin: germline.

Labcorp Genetics (formerly Invitae), Labcorp
Classification: Likely benign for Marfan syndrome; Familial thoracic aortic aneurysm and aortic dissection. Last evaluated: 2023-12-05. Review status: criteria provided, single submitter. Criteria: Invitae Variant Classification Sherloc (09022015). Collection method: clinical testing. Allele origin: germline.

All of Us Research Program, National Institutes of Health
Classification: Likely benign for Marfan syndrome. Last evaluated: 2023-06-26. Review status: criteria provided, single submitter. Criteria: ACMG Guidelines, 2015. Collection method: clinical testing. Allele origin: germline. Inheritance: Autosomal dominant inheritance. Observed: 1 variant allele, 1 heterozygote.
Comment: This study involves interpretation of variants in research participants for the purpose of population health screening. Participant phenotype was not available at the time of variant classification. Additional details can be found in publication PMID: 35346344, PMCID: PMC8962531

Color Diagnostics, LLC DBA Color Health
Classification: Likely benign for Familial thoracic aortic aneurysm and aortic dissection. Last evaluated: 2021-08-23. Review status: criteria provided, single submitter. Criteria: ACMG Guidelines, 2015. Collection method: clinical testing. Allele origin: germline.

Eurofins Ntd Llc (ga)
Classification: Uncertain significance. Last evaluated: 2015-12-04. Review status: criteria provided, single submitter. Criteria: EGL Classification Definitions 2015. Collection method: clinical testing. Allele origin: germline. Observed: 1 variant allele, 1 heterozygote.

NM_000138.5(FBN1):c.1566A>T (p.Thr522=)

Gene: FBN1 (fibrillin 1; minus strand). Cytogenetic location: 15q21.1.
Variant type: single nucleotide variant.
Coding change: c.1566A>T on transcript NM_000138.5 (MANE Select); coding-DNA position 1566, A replaced by T.
Protein change: p.Thr522=; no amino-acid change (threonine 522 retained).
Molecular consequence: synonymous variant.
Genome position (GRCh38, 1-based): chr15:48,513,571, T>A on the plus strand (A>T on the coding strand, the complement: FBN1 is on the minus strand). VCF-style: chr15-48513571-T-A. GRCh37 (hg19) VCF-style: chr15-48805768-T-A.
Other names: c.1566A>T (NM_000138.4).
Identifiers: ClinVar variation 284329 (VCV000284329.12), dbSNP rs531264662, ClinGen allele CA10604763.
Genomic context (GRCh38, chr15:48,513,571, plus strand): 5'-ATATGTCCCACATTCCACGTCAGGAGCCAGGACCATACCTCGGCATTCTGTCCGCGTGAG[T>A]GTGCTCTGATATCCAGCTCGGCACTGACAGGTGTACGAACCCTGGTTGTTAATACACTCA-3'
Protein context (NP_000129.3, residues 512-532): TCQCRAGYQS[Thr522=]LTRTECRDID